The following is an entry in ClinVar:

ClinVar aggregate classification (germline): Conflicting classifications of pathogenicity. Review status: criteria provided, conflicting classifications (1 of 4 stars). 7 submissions from 7 submitters: Pathogenic (1); Uncertain significance (4). 2 of the submissions do not count toward it. Last evaluated 2025-09-02.

Conditions:
CFTR-related disorder (CFTR-RD). Also called: CFTR-related condition; CFTR-related disorders. Identifiers: MedGen C5924204, MONDO:7770004.
Cystic fibrosis (CF). Also called: MUCOVISCIDOSIS. Identifiers: Orphanet 586, MedGen C0010674, MONDO:0009061, OMIM 219700. Disease mechanism: loss of function.

Allele frequency attached by ClinVar (database versions not stated): gnomAD 0.00001; gnomAD exomes 0.00001; TOPMed 0.00002; ExAC 0.00002.
gnomAD v4.1: 12 of 1,613,914 alleles (0.00074%); highest among the groups gnomAD compares: Middle Eastern, 0.016%; no homozygotes.

Submissions (7):

Women's Health and Genetics/Laboratory Corporation of America, LabCorp
Classification: Uncertain significance. Last evaluated: 2025-09-02. Review status: criteria provided, single submitter. Criteria: LabCorp Variant Classification Summary - May 2015. Collection method: clinical testing. Allele origin: germline.
Comment: Variant summary: CFTR c.4276T>C (p.Ser1426Pro) results in a non-conservative amino acid change in the encoded protein sequence. Algorithms developed to predict the effect of missense changes on protein structure and function all suggest that this variant is likely to be disruptive. The variant allele was found at a frequency of 1.2e-05 in 251444 control chromosomes. The available data on variant occurrences in the general population are insufficient to allow any conclusion about variant significance. c.4276T>C has been found in one CBAVD patient published in the literature in a compound heterozygous state with deltaF508 (Steiner_Hum Mut_2011). The UMD database lists one reportedly unpublished CBAVD patient that also carried deltaF508 (phase unknown). The c.4276T>C variant was also found in a heterozygous state without a second variant identified in an infant with respiratory distress (Tanriverdi_2021) and in one with acute pancreatitis (Abu-El-Haija_2019). These data do not allow any conclusion about variant significance. To our knowledge, no experimental evidence demonstrating an impact on protein function has been reported. The following publications have been ascertained in the context of this evaluation (PMID: 31088717, 33572515, 34996830, 31682332, 21520337, 36249513). ClinVar contains an entry for this variant (Variation ID: 53937). Based on the evidence outlined above, the variant was classified as uncertain significance.

Johns Hopkins Genomics, Johns Hopkins University
Classification: Uncertain significance for Cystic fibrosis. Last evaluated: 2024-02-29. Review status: criteria provided, single submitter. Criteria: ACMG Guidelines, 2015. Collection method: clinical testing. Allele origin: germline.
Comment: This CFTR missense variant (rs397508708) is rare (<0.1%) in a large population dataset (gnomADv4.0.0: 12/1613914 total alleles; 0.0007%; no homozygotes) and has an entry in ClinVar (Variation ID: 53937). It has been reported in the literature, but not in individuals with cystic fibrosis to our knowledge. Three bioinformatic tools queried predict that this substitution would be damaging and the serine residue at this position is evolutionarily conserved across all species assessed. We consider the clinical significance of CFTR c.4276T>C to be uncertain at this time.

Labcorp Genetics (formerly Invitae), Labcorp
Classification: Uncertain significance for Cystic fibrosis. Last evaluated: 2023-11-25. Review status: criteria provided, single submitter. Criteria: Invitae Variant Classification Sherloc (09022015). Collection method: clinical testing. Allele origin: germline.
Comment: This sequence change replaces serine, which is neutral and polar, with proline, which is neutral and non-polar, at codon 1426 of the CFTR protein (p.Ser1426Pro). This variant is present in population databases (rs397508708, gnomAD 0.006%). This missense change has been observed in individual(s) with congenital bilateral absence of the vas deferens (CBAVD) and/or pancreatitis (PMID: 21520337, 31088717). ClinVar contains an entry for this variant (Variation ID: 53937). Advanced modeling of protein sequence and biophysical properties (such as structural, functional, and spatial information, amino acid conservation, physicochemical variation, residue mobility, and thermodynamic stability) performed at Invitae indicates that this missense variant is expected to disrupt CFTR protein function with a positive predictive value of 80%. In summary, the available evidence is currently insufficient to determine the role of this variant in disease. Therefore, it has been classified as a Variant of Uncertain Significance.

CFTR-France
Classification: Pathogenic for CFTR-related disorders. Last evaluated: 2018-01-29. Review status: criteria provided, single submitter. Criteria: Claustres M et al. (Hum Mutat 2017). Collection method: curation. Allele origin: germline. Affected: yes.

Ambry Genetics
Classification: Uncertain significance for Cystic fibrosis. Last evaluated: 2015-07-28. Review status: criteria provided, single submitter. Criteria: Ambry Variant Classification Scheme 2023. Collection method: clinical testing. Allele origin: germline.
Comment: The p.S1426P variant (also known as c.4276T>C), located in coding exon 27 of the CFTR gene, results from a T to C substitution at nucleotide position 4276. The serine at codon 1426 is replaced by proline, an amino acid with similar properties. This variant was reported in one patient with congenital absence of the vas deferens (CAVD) who was also heterozygous for deltaF508, however the phase was unknown (Steiner et al. Hum Mutat. 2011;32: 912). This variant was not reported in population based cohorts in the following databases: Database of Single Nucleotide Polymorphisms (dbSNP), NHLBI Exome Sequencing Project (ESP), and 1000 Genomes Project. In the ESP, this variant was not observed in 6503 samples (13006 alleles) with coverage at this position. This amino acid position is highly conserved in available vertebrate species. In addition, this alteration is predicted to be possibly damaging by PolyPhen but tolerated by SIFT in silico analyses. Since clinical data on this variant is limited at this time, its clinical significance is unclear.

Natera, Inc.
Classification: Uncertain significance for CFTR-related disorders. Last evaluated: 2018-07-21. Review status: no assertion criteria provided. Collection method: clinical testing. Allele origin: germline. Not counted in ClinVar's aggregate classification.

Counsyl
Classification: Uncertain significance for Cystic fibrosis. Last evaluated: 2017-03-14. Review status: no assertion criteria provided. Collection method: clinical testing. Allele origin: unknown. Not counted in ClinVar's aggregate classification.

Literature cited by the submitters: PubMed 21520337 (cited by 3 submitters); PubMed 31682332 (cited by Women's Health and Genetics/Laboratory Corporation of America, LabCorp); PubMed 31088717 (cited by Women's Health and Genetics/Laboratory Corporation of America, LabCorp and Labcorp Genetics (formerly Invitae), Labcorp); PubMed 33572515 (cited by Women's Health and Genetics/Laboratory Corporation of America, LabCorp and Johns Hopkins Genomics, Johns Hopkins University); PubMed 34996830 (cited by Women's Health and Genetics/Laboratory Corporation of America, LabCorp); PubMed 36249513 (cited by Women's Health and Genetics/Laboratory Corporation of America, LabCorp and Johns Hopkins Genomics, Johns Hopkins University).

NM_000492.4(CFTR):c.4276T>C (p.Ser1426Pro)

Genes: CFTR (CF transmembrane conductance regulator; plus strand), LOC111674477 (CFTR intron 23 enhancer; plus strand). Cytogenetic location: 7q31.2.
Variant type: single nucleotide variant.
Coding change: c.4276T>C on transcript NM_000492.4 (MANE Select); coding-DNA position 4276, T replaced by C.
Protein change: p.Ser1426Pro; replaces serine 1426 with proline.
Molecular consequence: missense variant.
Genome position (GRCh38, 1-based): chr7:117,666,941, T>C. VCF-style: chr7-117666941-T-C. GRCh37 (hg19) VCF-style: chr7-117306995-T-C.
Other names: short protein forms S1426P.
Identifiers: ClinVar variation 53937 (VCV000053937.18), dbSNP rs397508708, ClinGen allele CA327473.